The following is an entry in ClinVar:

NM_001048174.2(MUTYH):c.594C>T (p.Ile198=)

Gene: MUTYH (mutY DNA glycosylase; minus strand). Cytogenetic location: 1p34.1.
Variant type: single nucleotide variant.
Coding change: c.594C>T on transcript NM_001048174.2 (MANE Select); coding-DNA position 594, C replaced by T.
Protein change: p.Ile198=; no amino-acid change (isoleucine 198 retained).
Molecular consequence: synonymous variant. On other transcripts: non-coding transcript variant (2).
Genome position (GRCh38, 1-based): chr1:45,332,586, G>A on the plus strand (C>T on the coding strand, the complement: MUTYH is on the minus strand). VCF-style: chr1-45332586-G-A. GRCh37 (hg19) VCF-style: chr1-45798258-G-A.
Other names: c.594C>T, p.Ile198= (NM_001048171.2, NM_001048173.2, NM_001293195.2); c.597C>T, p.Ile199= (NM_001048172.2); c.678C>T, p.Ile226= (NM_001128425.2); c.639C>T, p.Ile213= (NM_001293190.2); c.627C>T, p.Ile209= (NM_001293191.2); c.318C>T, p.Ile106= (NM_001293192.2, NM_001293196.2); c.249C>T, p.Ile83= (NM_001350650.2, NM_001350651.2); c.669C>T, p.Ile223= (NM_012222.3).
Identifiers: ClinVar variation 379035 (VCV000379035.24), dbSNP rs371875647, ClinGen allele CA058565.

ClinVar aggregate classification (germline): Likely benign. Review status: criteria provided, multiple submitters, no conflicts (2 of 4 stars). 8 submissions from 8 submitters: Likely benign (8). Last evaluated 2025-12-29.

Conditions:
Hereditary cancer-predisposing syndrome. Also called: Neoplastic Syndromes, Hereditary; Hereditary Cancer Syndrome; Hereditary neoplastic syndrome; Tumor predisposition. Identifiers: Orphanet 140162, MedGen C0027672, MeSH D009386, MONDO:0015356.
Familial adenomatous polyposis 2. Also called: ADENOMAS, MULTIPLE COLORECTAL, AUTOSOMAL RECESSIVE; MYH-associated polyposis; Adenomas, multiple colorectal; MUTYH Polyposis; COLORECTAL ADENOMATOUS POLYPOSIS, AUTOSOMAL RECESSIVE; FAP type 2. Identifiers: Orphanet 220460, Orphanet 247798, MedGen C3272841, MONDO:0012041, OMIM 608456.

Allele frequency attached by ClinVar (database versions not stated): gnomAD 0.00001 and 0.00002; gnomAD exomes 0.00001 and 0.00002; ExAC 0.00002; TOPMed 0.00003; ESP Exome Variant Server 0.00008; 1000 Genomes Project 0.00020; 1000 Genomes Project 30x 0.00031.

Submissions (8):

Center for Genomic Medicine, Rigshospitalet, Copenhagen University Hospital
Classification: Likely benign. Last evaluated: 2025-12-29. Review status: criteria provided, single submitter. Criteria: ACMG Guidelines, 2015. Collection method: clinical testing. Allele origin: germline.

Labcorp Genetics (formerly Invitae), Labcorp
Classification: Likely benign for Familial adenomatous polyposis 2. Last evaluated: 2025-11-20. Review status: criteria provided, single submitter. Criteria: Invitae Variant Classification Sherloc (09022015). Collection method: clinical testing. Allele origin: germline.

Institute for Biomarker Research, Medical Diagnostic Laboratories, L.L.C.
Classification: Likely benign for Hereditary cancer-predisposing syndrome. Last evaluated: 2024-02-20. Review status: criteria provided, single submitter. Criteria: ACMG Guidelines, 2015. Collection method: clinical testing. Allele origin: germline.

All of Us Research Program, National Institutes of Health
Classification: Likely benign for Familial adenomatous polyposis 2. Last evaluated: 2023-12-13. Review status: criteria provided, single submitter. Criteria: ACMG Guidelines, 2015. Collection method: clinical testing. Allele origin: germline. Inheritance: Autosomal recessive inheritance. Observed: 1 variant allele, 1 heterozygote.
Comment: This study involves interpretation of variants in research participants for the purpose of population health screening. Participant phenotype was not available at the time of variant classification. Additional details can be found in publication PMID: 35346344, PMCID: PMC8962531

Sema4
Classification: Likely benign for Hereditary cancer-predisposing syndrome. Last evaluated: 2020-10-15. Review status: criteria provided, single submitter. Criteria: Sema4 Curation Guidelines. Collection method: curation. Allele origin: germline.

GeneDx
Classification: Likely benign. Last evaluated: 2019-03-27. Review status: criteria provided, single submitter. Criteria: GeneDx Variant Classification Process June 2021. Collection method: clinical testing. Allele origin: germline. Affected: yes.

Ambry Genetics
Classification: Likely benign for Hereditary cancer-predisposing syndrome. Last evaluated: 2016-05-17. Review status: criteria provided, single submitter. Criteria: Ambry Variant Classification Scheme 2023. Collection method: clinical testing. Allele origin: germline.

Color Diagnostics, LLC DBA Color Health
Classification: Likely benign for Hereditary cancer-predisposing syndrome. Last evaluated: 2016-03-24. Review status: criteria provided, single submitter. Criteria: ACMG Guidelines, 2015. Collection method: clinical testing. Allele origin: germline.